The following is an entry in ClinVar:

ClinVar aggregate classification (germline): Uncertain significance (1 of 4 stars; one submission).

Allele frequency attached by ClinVar (database versions not stated): gnomAD 0.00001.
gnomAD v4.1: 2 of 1,509,196 alleles (0.00013%); highest among the groups gnomAD compares: East Asian, 0.0023%; no homozygotes.

Submission:

Labcorp Genetics (formerly Invitae), Labcorp
Classification: Uncertain significance. Last evaluated: 2023-12-10. Review status: criteria provided, single submitter. Criteria: Invitae Variant Classification Sherloc (09022015). Collection method: clinical testing. Allele origin: germline.
Comment: This sequence change replaces isoleucine, which is neutral and non-polar, with valine, which is neutral and non-polar, at codon 226 of the ERBIN protein (p.Ile226Val). This variant is present in population databases (no rsID available, gnomAD 0.006%). This variant has not been reported in the literature in individuals affected with ERBIN-related conditions. An algorithm developed to predict the effect of missense changes on protein structure and function (PolyPhen-2) suggests that this variant is likely to be tolerated. In summary, the available evidence is currently insufficient to determine the role of this variant in disease. Therefore, it has been classified as a Variant of Uncertain Significance.

NM_001253697.2(ERBIN):c.676A>G (p.Ile226Val)

Gene: ERBIN (erbb2 interacting protein; plus strand). Cytogenetic location: 5q12.3.
Variant type: single nucleotide variant.
Coding change: c.676A>G on transcript NM_001253697.2 (MANE Select); coding-DNA position 676, A replaced by G.
Protein change: p.Ile226Val; replaces isoleucine 226 with valine.
Molecular consequence: missense variant.
Genome position (GRCh38, 1-based): chr5:66,024,309, A>G. VCF-style: chr5-66024309-A-G. GRCh37 (hg19) VCF-style: chr5-65320137-A-G.
Other names: c.676A>G, p.Ile226Val (NM_001006600.3, NM_001253698.2, NM_001253699.2 and 2 more transcripts); short protein forms I226V.
Identifiers: ClinVar variation 2878094 (VCV002878094.3), dbSNP rs1277870577, ClinGen allele CA359974663.